The following is an entry in ClinVar:

NM_000693.4(ALDH1A3):c.1514T>C (p.Ile505Thr)

Genes: ALDH1A3 (aldehyde dehydrogenase 1 family member A3; plus strand), ALDH1A3-AS1 (ALDH1A3 antisense RNA 1; minus strand). Cytogenetic location: 15q26.3.
Variant type: single nucleotide variant.
Coding change: c.1514T>C on transcript NM_000693.4 (MANE Select); coding-DNA position 1514, T replaced by C.
Protein change: p.Ile505Thr; replaces isoleucine 505 with threonine.
Molecular consequence: missense variant. On other transcripts: non-coding transcript variant (2).
Genome position (GRCh38, 1-based): chr15:100,914,748, T>C. VCF-style: chr15-100914748-T-C. GRCh37 (hg19) VCF-style: chr15-101454953-T-C.
Other names: c.1193T>C, p.Ile398Thr (NM_001293815.2); short protein forms I505T, I398T.
Identifiers: ClinVar variation 212709 (VCV000212709.1), dbSNP rs797046134, ClinGen allele CA277292.

ClinVar aggregate classification (germline): Likely pathogenic (0 of 4 stars; one submission).

Conditions:
Autism (AUTS). Also called: Autistic disorder of childhood onset; Autistic disorder. Identifiers: MedGen C0004352, MeSH D001321, MONDO:0005260, OMIM 209850, HP:0000717.

gnomAD v4.1: 1 of 1,614,056 alleles (0.000062%); no homozygotes.

Submission:

Laboratorio de Genetica Humana; Universidad de los Andes
Classification: Likely pathogenic for Autism. Last evaluated: 2013-10-01. Review status: no assertion criteria provided. Collection method: research. Allele origin: de novo. Inheritance: Autosomal unknown. Affected: yes.
Comment: De novo novel variant using whole exome sequencing in an ASD study in Colombian population